The following is an entry in ClinVar:

ClinVar aggregate classification (germline): Pathogenic (1 of 4 stars; one submission).

Submission:

CeGaT Center for Human Genetics Tuebingen
Classification: Pathogenic. Last evaluated: 2023-05-01. Review status: criteria provided, single submitter. Criteria: CeGaT Center For Human Genetics Tuebingen Variant Classification Criteria Version 2. Collection method: clinical testing. Allele origin: germline. Affected: yes. Observed: 1 variant allele.
Comment: HTRA1: PVS1, PM2

NM_002775.5(HTRA1):c.272dup (p.Pro92fs)

Gene: HTRA1 (HtrA serine peptidase 1; plus strand). Cytogenetic location: 10q26.13.
Variant type: Duplication.
Coding change: c.272dup on transcript NM_002775.5 (MANE Select); coding-DNA position 272, one base duplicated (T; older notation c.272dupT).
Protein change: p.Pro92fs; shifts the reading frame from proline 92.
Molecular consequence: frameshift variant.
Genome position (GRCh38, 1-based): chr10:122,461,924, T duplicated. VCF-style (leftmost placement, unchanged base first): chr10-122461923-G-GT. GRCh37 (hg19) VCF-style: chr10-124221439-G-GT.
Other names: short protein forms P92fs.
Identifiers: ClinVar variation 2570778 (VCV002570778.27), dbSNP rs2497576382, ClinGen allele CA2580616879.